The following is an entry in ClinVar:

ClinVar aggregate classification (germline): Benign (0 of 4 stars; one submission).

Conditions:
TP53BP2-related disorder. Also called: TP53BP2-related condition.

Allele frequency attached by ClinVar (database versions not stated): ESP Exome Variant Server 0.00046; gnomAD exomes 0.00281; gnomAD 0.00425; TOPMed 0.00476; ExAC 0.00822; 1000 Genomes Project 30x 0.01780; 1000 Genomes Project 0.01937.
gnomAD v4.1: 4,935 of 1,614,170 alleles (0.31%); highest among the groups gnomAD compares: East Asian, 8.8%; 207 homozygotes.

Submission:

PreventionGenetics, part of Exact Sciences
Classification: Benign for TP53BP2-related condition. Last evaluated: 2019-02-28. Review status: no assertion criteria provided. Collection method: clinical testing. Allele origin: germline.
Comment: This variant is classified as benign based on ACMG/AMP sequence variant interpretation guidelines (Richards et al. 2015 PMID: 25741868, with internal and published modifications).

NM_001031685.3(TP53BP2):c.3027C>T (p.Asn1009=)

Gene: TP53BP2 (tumor protein p53 binding protein 2; minus strand). Cytogenetic location: 1q41.
Variant type: single nucleotide variant.
Coding change: c.3027C>T on transcript NM_001031685.3 (MANE Select); coding-DNA position 3027, C replaced by T.
Protein change: p.Asn1009=; no amino-acid change (asparagine 1009 retained).
Molecular consequence: synonymous variant.
Genome position (GRCh38, 1-based): chr1:223,789,144, G>A on the plus strand (C>T on the coding strand, the complement: TP53BP2 is on the minus strand). VCF-style: chr1-223789144-G-A. GRCh37 (hg19) VCF-style: chr1-223976846-G-A.
Other names: c.2640C>T, p.Asn880= (NM_005426.3).
Identifiers: ClinVar variation 3060703 (VCV003060703.2), dbSNP rs12044358, ClinGen allele CA1412488.